The following is an entry in ClinVar:

ClinVar aggregate classification (germline): Pathogenic (1 of 4 stars; one submission).

Submission:

Labcorp Genetics (formerly Invitae), Labcorp
Classification: Pathogenic. Last evaluated: 2024-08-31. Review status: criteria provided, single submitter. Criteria: Invitae Variant Classification Sherloc (09022015). Collection method: clinical testing. Allele origin: germline.
Comment: This sequence change creates a premature translational stop signal (p.Asp146Glyfs*14) in the MC4R gene. While this is not anticipated to result in nonsense mediated decay, it is expected to disrupt the last 187 amino acid(s) of the MC4R protein. This variant is not present in population databases (gnomAD no frequency). This variant has not been reported in the literature in individuals affected with MC4R-related conditions. This variant disrupts a region of the MC4R protein in which other variant(s) (p.Ile301Thr) have been determined to be pathogenic (PMID: 10903341, 18559663). This suggests that this is a clinically significant region of the protein, and that variants that disrupt it are likely to be disease-causing. For these reasons, this variant has been classified as Pathogenic.

Literature cited by the submitters: PubMed 10903341; PubMed 18559663.

NM_005912.3(MC4R):c.434dup (p.Asp146fs)

Gene: MC4R (melanocortin 4 receptor; minus strand). Cytogenetic location: 18q21.32.
Variant type: Duplication.
Coding change: c.434dup on transcript NM_005912.3 (MANE Select); coding-DNA position 434, one base duplicated (T; older notation c.434dupT).
Protein change: p.Asp146fs; shifts the reading frame from aspartic acid 146.
Molecular consequence: frameshift variant.
Genome position (GRCh38, 1-based): chr18:60,371,916, A duplicated on the plus strand (T on the coding strand, the reverse complement: MC4R is on the minus strand). VCF-style (leftmost placement, unchanged base first): chr18-60371915-C-CA. GRCh37 (hg19) VCF-style: chr18-58039148-C-CA.
Other names: short protein forms D146fs.
Identifiers: ClinVar variation 3657668 (VCV003657668.2).